The following is an entry in ClinVar:

ClinVar aggregate classification (germline): Pathogenic (1 of 4 stars; one submission).

Conditions:
Granulomatous disease, chronic, X-linked. Also called: GRANULOMATOUS DISEASE, CHRONIC, X-LINKED, SOMATIC MOSAIC; CYTOCHROME b-NEGATIVE GRANULOMATOUS DISEASE, CHRONIC, X-LINKED. Identifiers: Orphanet 379, MedGen C1844376, MONDO:0010600, OMIM 306400.

Submission:

Labcorp Genetics (formerly Invitae), Labcorp
Classification: Pathogenic for Granulomatous disease, chronic, X-linked. Last evaluated: 2024-11-19. Review status: criteria provided, single submitter. Criteria: Invitae Variant Classification Sherloc (09022015). Collection method: clinical testing. Allele origin: germline.
Comment: This sequence change creates a premature translational stop signal (p.Leu10Serfs*12) in the CYBB gene. It is expected to result in an absent or disrupted protein product. Loss-of-function variants in CYBB are known to be pathogenic (PMID: 9585602, 20729109). This variant is not present in population databases (gnomAD no frequency). This premature translational stop signal has been observed in individual(s) with chronic granulomatous disease (PMID: 20729109). For these reasons, this variant has been classified as Pathogenic.

Literature cited by the submitters: PubMed 9585602; PubMed 20729109.

NM_000397.4(CYBB):c.27del (p.Leu10fs)

Genes: CYBB (cytochrome b-245 beta chain; plus strand), LOC130068093 (ATAC-STARR-seq lymphoblastoid active region 29519; plus strand). Cytogenetic location: Xp21.1.
Variant type: Deletion.
Coding change: c.27del on transcript NM_000397.4 (MANE Select); coding-DNA position 27, one base deleted (G; older notation c.27delG).
Protein change: p.Leu10fs; shifts the reading frame from leucine 10.
Molecular consequence: frameshift variant.
Genome position (GRCh38, 1-based): chrX:37,780,104, G deleted; the last of 4 consecutive G bases (chrX:37,780,101-37,780,104); deleting any one gives the same sequence. VCF-style (leftmost placement, unchanged base first): chrX-37780100-AG-A. GRCh37 (hg19) VCF-style: chrX-37639353-AG-A.
Other names: short protein forms L10fs.
Identifiers: ClinVar variation 3724194 (VCV003724194.2).
Genomic context (GRCh38, chrX:37,780,100, plus strand): 5'-GAAGAAAGGCAAACACAACACATTCAACCTCTGCCACCATGGGGAACTGGGCTGTGAATG[AG>A]GGGCTCTCCATTTTTGTCATTGTAAGTACCAACAAGAGATAAGTTATAAATTCTCTGACT-3'